The following is an entry in ClinVar:

ClinVar aggregate classification (germline): Uncertain significance (1 of 4 stars; one submission).

gnomAD v4.1: 1 of 1,614,202 alleles (0.000062%); highest among the groups gnomAD compares: Non-Finnish European, 0.000085%; no homozygotes.

Submission:

GeneDx
Classification: Uncertain significance. Last evaluated: 2025-03-21. Review status: criteria provided, single submitter. Criteria: GeneDx Variant Classification Process June 2021. Collection method: clinical testing. Allele origin: germline. Affected: yes.
Comment: Not observed at significant frequency in large population cohorts (gnomAD); In silico analysis supports that this missense variant has a deleterious effect on protein structure/function; Has not been previously published as pathogenic or benign to our knowledge

NM_005909.5(MAP1B):c.1429C>T (p.Pro477Ser)

Gene: MAP1B (microtubule associated protein 1B; plus strand). Cytogenetic location: 5q13.2.
Variant type: single nucleotide variant.
Coding change: c.1429C>T on transcript NM_005909.5 (MANE Select); coding-DNA position 1429, C replaced by T.
Protein change: p.Pro477Ser; replaces proline 477 with serine.
Molecular consequence: missense variant.
Genome position (GRCh38, 1-based): chr5:72,194,784, C>T. VCF-style: chr5-72194784-C-T. GRCh37 (hg19) VCF-style: chr5-71490611-C-T.
Other names: c.1051C>T, p.Pro351Ser (NM_001324255.2); short protein forms P351S, P477S.
Identifiers: ClinVar variation 4086384 (VCV004086384.1).